The following is an entry in ClinVar:

NC_000017.10:g.(?_41276014)_(41277500_?)dup

Genes: BRCA1 (BRCA1 DNA repair associated; minus strand), LOC111589215 (BRCA1 promoter region; plus strand). Cytogenetic location: 17q21.31.
Variant type: Duplication.
Identifiers: ClinVar variation 583578 (VCV000583578.4).

ClinVar aggregate classification (germline): Uncertain significance (1 of 4 stars; one submission).

Conditions:
Hereditary breast ovarian cancer syndrome. Also called: Hereditary breast and ovarian cancer syndrome; Hereditary breast and/or ovarian cancer syndrome; Hereditary breast and ovarian cancer syndrome (HBOC); Breast and ovarian cancer; BRCA1- and BRCA2-Associated Hereditary Breast and Ovarian Cancer; Hereditary breast and ovarian cancer. Identifiers: Orphanet 145, MedGen C0677776, MeSH D061325, MONDO:0003582. Disease mechanism: loss of function.

Submission:

Labcorp Genetics (formerly Invitae), Labcorp
Classification: Uncertain significance for Hereditary breast ovarian cancer syndrome. Last evaluated: 2022-11-02. Review status: criteria provided, single submitter. Criteria: Invitae Variant Classification Sherloc (09022015). Collection method: clinical testing. Allele origin: germline.
Comment: This variant results in a copy number gain of the genomic region encompassing exon(s) 1-2 of the BRCA1 gene. This region includes the initiator codon of the gene. This copy number gain extends beyond the assayed region for this gene and therefore may encompass additional genes. As the precise location of this event is unknown, it may be in tandem or it may be located elsewhere in the genome. A similar copy number variant has been observed in individual(s) with breast and ovarian cancer (PMID: 19894111, 23996866, 24686251). In summary, the available evidence is currently insufficient to determine the role of this variant in disease. Therefore, it has been classified as a Variant of Uncertain Significance.

Literature cited by the submitters: PubMed 19894111; PubMed 23996866; PubMed 24686251.